The following is an entry in ClinVar:

NM_000256.3(MYBPC3):c.111del (p.Gly37_Val38insTer)

Gene: MYBPC3 (myosin binding protein C3; minus strand). Cytogenetic location: 11p11.2.
Variant type: Deletion.
Coding change: c.111del on transcript NM_000256.3 (MANE Select); coding-DNA position 111, one base deleted (A; older notation c.111delA).
Protein change: p.Gly37_Val38insTer.
Molecular consequence: frameshift variant.
Genome position (GRCh38, 1-based): chr11:47,351,420, T deleted on the plus strand (A on the coding strand, the reverse complement: MYBPC3 is on the minus strand). VCF-style (leftmost placement, unchanged base first): chr11-47351419-CT-C. GRCh37 (hg19) VCF-style: chr11-47372970-CT-C.
Other names: c.111delA (NM_000256.3).
Identifiers: ClinVar variation 3297215 (VCV003297215.3).

ClinVar aggregate classification (germline): Pathogenic/Likely pathogenic. Review status: criteria provided, multiple submitters, no conflicts (2 of 4 stars). 2 submissions from 2 submitters: Pathogenic (1); Likely pathogenic (1). Last evaluated 2024-04-18.

Conditions:
Cardiovascular phenotype. Identifiers: MedGen CN230736.
Hypertrophic cardiomyopathy. Also called: HYPERTROPHIC MYOCARDIOPATHY. Identifiers: Orphanet 217569, MedGen C0007194, MeSH D002312, MONDO:0005045, HP:0001639.

Submissions (2):

Ambry Genetics
Classification: Likely pathogenic for Cardiovascular phenotype. Last evaluated: 2024-04-18. Review status: criteria provided, single submitter. Criteria: Ambry Variant Classification Scheme 2023. Collection method: clinical testing. Allele origin: germline.
Comment: The c.111delA variant, located in coding exon 2 of the MYBPC3 gene, results from a deletion of one nucleotide at nucleotide position 111, causing a translational frameshift with a predicted alternate stop codon (p.V38*). The predicted stop codon occurs in the 5&rsquo; end of theMYBPC3 gene. Premature termination codons in the 5&rsquo; end of a gene have been reported to escape nonsense-mediated mRNAdecay and/or lead to re-initiation (Rivas et al. Science. 2015 May 8;348(6235):666-9; Lindeboom et al. Nat Genet. 2016 Oct;48(10):1112-8; Rhee et al. Sci Rep. 2017 May 10;7(1):1653). Direct evidence for this alteration is unavailable, however premature termination codons are typically deleterious in nature. This variant is considered to be rare based on population cohorts in the Genome Aggregation Database (gnomAD). Based on the majority of available evidence to date, this variant is likely to be pathogenic.

Labcorp Genetics (formerly Invitae), Labcorp
Classification: Pathogenic for Hypertrophic cardiomyopathy. Last evaluated: 2024-02-22. Review status: criteria provided, single submitter. Criteria: Invitae Variant Classification Sherloc (09022015). Collection method: clinical testing. Allele origin: germline.
Comment: This sequence change creates a premature translational stop signal (p.Val38*) in the MYBPC3 gene. It is expected to result in an absent or disrupted protein product. Loss-of-function variants in MYBPC3 are known to be pathogenic (PMID: 19574547). This variant is not present in population databases (gnomAD no frequency). This variant has not been reported in the literature in individuals affected with MYBPC3-related conditions. Algorithms developed to predict the effect of sequence changes on RNA splicing suggest that this variant may disrupt the consensus splice site. For these reasons, this variant has been classified as Pathogenic.

Literature cited by the submitters: PubMed 19574547 (cited by Labcorp Genetics (formerly Invitae), Labcorp).